The following is an entry in ClinVar:

NM_018834.6(MATR3):c.2494-6T>A

Gene: MATR3 (matrin 3; plus strand). Cytogenetic location: 5q31.2.
Variant type: single nucleotide variant.
Coding change: c.2494-6T>A on transcript NM_018834.6 (MANE Select); 6 bases into the intron before coding-DNA position 2494, T replaced by A.
Molecular consequence: intron variant.
Genome position (GRCh38, 1-based): chr5:139,329,339, T>A. VCF-style: chr5-139329339-T-A. GRCh37 (hg19) VCF-style: chr5-138665028-T-A.
Other names: c.2494-6T>A (NM_199189.3, NM_001194954.2, NM_001194955.2); c.1480-6T>A (NM_001282278.2); c.1630-6T>A (NM_001194956.2).
Identifiers: ClinVar variation 474083 (VCV000474083.16), dbSNP rs376395410, ClinGen allele CA3433485.

ClinVar aggregate classification (germline): Likely benign. Review status: criteria provided, multiple submitters, no conflicts (2 of 4 stars). 2 submissions from 2 submitters: Likely benign (2). Last evaluated 2026-03-01.

Conditions:
Amyotrophic lateral sclerosis type 21. Also called: VOCAL CORD AND PHARYNGEAL DYSFUNCTION WITH DISTAL MYOPATHY; MYOPATHY, DISTAL, 2. Identifiers: Orphanet 600, Orphanet 803, MedGen C3807521, MONDO:0011632, OMIM 606070.

Allele frequency attached by ClinVar (database versions not stated): gnomAD exomes 0.00004 and 0.00008; ExAC 0.00007; gnomAD 0.00026 and 0.00029; ESP Exome Variant Server 0.00031; TOPMed 0.00041.
gnomAD v4.1: 101 of 1,607,664 alleles (0.0063%); highest among the groups gnomAD compares: African/African-American, 0.12%; no homozygotes.

Submissions (2):

CeGaT Center for Human Genetics Tuebingen
Classification: Likely benign. Last evaluated: 2026-03-01. Review status: criteria provided, single submitter. Criteria: CeGaT Center For Human Genetics Tuebingen Variant Classification Criteria Version 2. Collection method: clinical testing. Allele origin: germline. Affected: yes. Observed: 1 variant allele.
Comment: MATR3: BP4, BS1

Labcorp Genetics (formerly Invitae), Labcorp
Classification: Likely benign for Amyotrophic lateral sclerosis type 21. Last evaluated: 2025-11-01. Review status: criteria provided, single submitter. Criteria: Invitae Variant Classification Sherloc (09022015). Collection method: clinical testing. Allele origin: germline.